The following is an entry in ClinVar:

ClinVar aggregate classification (germline): Uncertain significance (1 of 4 stars; one submission).

Submission:

GeneDx
Classification: Uncertain significance. Last evaluated: 2020-02-13. Review status: criteria provided, single submitter. Criteria: GeneDx Variant Classification Process June 2021. Collection method: clinical testing. Allele origin: germline. Affected: yes.
Comment: Has not been previously published as pathogenic or benign to our knowledge; Not observed in large population cohorts (Lek et al., 2016); In silico analysis supports that this missense variant does not alter protein structure/function

NM_030912.3(TRIM8):c.1066G>A (p.Val356Met)

Gene: TRIM8 (tripartite motif containing 8; plus strand). Cytogenetic location: 10q24.32.
Variant type: single nucleotide variant.
Coding change: c.1066G>A on transcript NM_030912.3 (MANE Select); coding-DNA position 1066, G replaced by A.
Protein change: p.Val356Met; replaces valine 356 with methionine.
Molecular consequence: missense variant. On other transcripts: non-coding transcript variant (1).
Genome position (GRCh38, 1-based): chr10:102,656,764, G>A. VCF-style: chr10-102656764-G-A. GRCh37 (hg19) VCF-style: chr10-104416521-G-A.
Other names: c.970G>A, p.Val324Met (NM_001345950.1); short protein forms V324M, V356M.
Identifiers: ClinVar variation 1316638 (VCV001316638.2), dbSNP rs2135984762, ClinGen allele CA377931056.